The following is an entry in ClinVar:

NM_020207.7(ERCC6L2):c.1835A>C (p.Gln612Pro)

Gene: ERCC6L2 (ERCC excision repair 6 like 2; plus strand). Cytogenetic location: 9q22.32.
Variant type: single nucleotide variant.
Coding change: c.1835A>C on transcript NM_020207.7 (MANE Select); coding-DNA position 1835, A replaced by C.
Protein change: p.Gln612Pro; replaces glutamine 612 with proline.
Molecular consequence: missense variant. On other transcripts: non-coding transcript variant (1).
Genome position (GRCh38, 1-based): chr9:95,941,537, A>C. VCF-style: chr9-95941537-A-C. GRCh37 (hg19) VCF-style: chr9-98703819-A-C.
Other names: c.1835A>C, p.Gln612Pro (NM_001010895.4, NM_001375291.1, NM_001375292.1 and 2 more transcripts); short protein forms Q612P.
Identifiers: ClinVar variation 5036108 (VCV005036108.1).
Genomic context (GRCh38, chr9:95,941,537, plus strand): 5'-TTGTCGGTGCCAATGTTGTTGTATTATTTGATCCTACTTGGAATCCAGCCAATGATCTTC[A>C]AGCCATTGACAGGTATAATACTGACAAAATTTAAAGTGATCTGCAAATACTTTTAATCTA-3'
Protein context (NP_064592.3, residues 602-622): DPTWNPANDL[Gln612Pro]AIDRAYRIGQ

ClinVar aggregate classification (germline): Uncertain significance (1 of 4 stars; one submission).

Conditions:
Inborn genetic diseases. Identifiers: MedGen C0950123, MeSH D030342.

gnomAD v4.1: 1 of 1,611,996 alleles (0.000062%); highest among the groups gnomAD compares: Non-Finnish European, 0.000085%; no homozygotes.

Submission:

Ambry Genetics
Classification: Uncertain significance for Inborn genetic diseases. Last evaluated: 2026-08-23. Review status: criteria provided, single submitter. Criteria: Ambry Variant Classification Scheme 2023. Collection method: clinical testing. Allele origin: germline.
Comment: The p.Q612P variant (also known as c.1835A>C), located in coding exon 12 of the ERCC6L2 gene, results from an A to C substitution at nucleotide position 1835. The glutamine at codon 612 is replaced by proline, an amino acid with similar properties. This amino acid position is conserved. In addition, this alteration is predicted to be deleterious by in silico analysis. Based on the available evidence, the clinical significance of this variant remains unclear.